The following is an entry in ClinVar:

NM_015450.3(POT1):c.1850A>C (p.Asp617Ala)

Gene: POT1 (protection of telomeres 1; minus strand). Cytogenetic location: 7q31.33.
Variant type: single nucleotide variant.
Coding change: c.1850A>C on transcript NM_015450.3 (MANE Select); coding-DNA position 1850, A replaced by C.
Protein change: p.Asp617Ala; replaces aspartic acid 617 with alanine.
Molecular consequence: missense variant. On other transcripts: non-coding transcript variant (3).
Genome position (GRCh38, 1-based): chr7:124,824,017, T>G on the plus strand (A>C on the coding strand, the complement: POT1 is on the minus strand). VCF-style: chr7-124824017-T-G. GRCh37 (hg19) VCF-style: chr7-124464071-T-G.
Other names: c.1457A>C, p.Asp486Ala (NM_001042594.2); short protein forms D486A, D617A.
Identifiers: ClinVar variation 1016023 (VCV001016023.13), dbSNP rs907969253, ClinGen allele CA166091987.

ClinVar aggregate classification (germline): Uncertain significance. Review status: criteria provided, multiple submitters, no conflicts (2 of 4 stars). 2 submissions from 2 submitters: Uncertain significance (2). Last evaluated 2025-05-24.

Conditions:
Hereditary cancer-predisposing syndrome. Also called: Neoplastic Syndromes, Hereditary; Hereditary Cancer Syndrome; Hereditary neoplastic syndrome; Tumor predisposition. Identifiers: Orphanet 140162, MedGen C0027672, MeSH D009386, MONDO:0015356.
Tumor predisposition syndrome 3 (TPDS3). Also called: Glioma susceptibility 9; LONG TELOMERE SYNDROME, POT1-RELATED; POT1 Tumor Predisposition; Melanoma, cutaneous malignant, susceptibility to, 10. Identifiers: Orphanet 618, MedGen C4014476, MONDO:0014368, OMIM 615848.

Allele frequency attached by ClinVar (database versions not stated): TOPMed below 0.00001.

Submissions (2):

Ambry Genetics
Classification: Uncertain significance for Hereditary cancer-predisposing syndrome. Last evaluated: 2025-05-24. Review status: criteria provided, single submitter. Criteria: Ambry Variant Classification Scheme 2023. Collection method: clinical testing. Allele origin: germline.
Comment: The p.D617A variant (also known as c.1850A>C), located in coding exon 15 of the POT1 gene, results from an A to C substitution at nucleotide position 1850. The aspartic acid at codon 617 is replaced by alanine, an amino acid with dissimilar properties. This amino acid position is poorly conserved in available vertebrate species. In addition, this alteration is predicted to be tolerated by in silico analysis. Since supporting evidence is limited at this time, the clinical significance of this alteration remains unclear.

Labcorp Genetics (formerly Invitae), Labcorp
Classification: Uncertain significance for Tumor predisposition syndrome 3. Last evaluated: 2024-10-15. Review status: criteria provided, single submitter. Criteria: Invitae Variant Classification Sherloc (09022015). Collection method: clinical testing. Allele origin: germline.
Comment: This sequence change replaces aspartic acid, which is acidic and polar, with alanine, which is neutral and non-polar, at codon 617 of the POT1 protein (p.Asp617Ala). This variant is not present in population databases (gnomAD no frequency). This variant has not been reported in the literature in individuals affected with POT1-related conditions. ClinVar contains an entry for this variant (Variation ID: 1016023). Invitae Evidence Modeling of protein sequence and biophysical properties (such as structural, functional, and spatial information, amino acid conservation, physicochemical variation, residue mobility, and thermodynamic stability) indicates that this missense variant is not expected to disrupt POT1 protein function with a negative predictive value of 80%. In summary, the available evidence is currently insufficient to determine the role of this variant in disease. Therefore, it has been classified as a Variant of Uncertain Significance.